The following is an entry in ClinVar:

NM_001429.4(EP300):c.6291A>G (p.Pro2097=)

Gene: EP300 (EP300 lysine acetyltransferase; plus strand). Cytogenetic location: 22q13.2.
Variant type: single nucleotide variant.
Coding change: c.6291A>G on transcript NM_001429.4 (MANE Select); coding-DNA position 6291, A replaced by G.
Protein change: p.Pro2097=; no amino-acid change (proline 2097 retained).
Molecular consequence: synonymous variant.
Genome position (GRCh38, 1-based): chr22:41,178,002, A>G. VCF-style: chr22-41178002-A-G. GRCh37 (hg19) VCF-style: chr22-41574006-A-G.
Other names: c.6213A>G, p.Pro2071= (NM_001362843.2).
Identifiers: ClinVar variation 2653213 (VCV002653213.24), dbSNP rs1486224909, ClinGen allele CA514794062.
Genomic context (GRCh38, chr22:41,178,002, plus strand): 5'-CCCCCAGCTGTTGGCTGCATTCATCAAGCAGCGGGCTGCCAAGTATGCCAACTCTAATCC[A>G]CAACCCATCCCTGGGCAGCCTGGCATGCCCCAGGGGCAGCCAGGGCTACAGCCACCTACC-3'
Protein context (NP_001420.2, residues 2087-2107): QRAAKYANSN[Pro2097=]QPIPGQPGMP

ClinVar aggregate classification (germline): Likely benign (1 of 4 stars; one submission).

Allele frequency attached by ClinVar (database versions not stated): TOPMed below 0.00001.

Submission:

CeGaT Center for Human Genetics Tuebingen
Classification: Likely benign. Last evaluated: 2022-05-01. Review status: criteria provided, single submitter. Criteria: CeGaT Center For Human Genetics Tuebingen Variant Classification Criteria Version 2. Collection method: clinical testing. Allele origin: germline. Affected: yes. Observed: 1 variant allele.
Comment: EP300: BP4, BP7